The following is an entry in ClinVar:

NM_022437.3(ABCG8):c.1724G>A (p.Gly575Asp)

Gene: ABCG8 (ATP binding cassette subfamily G member 8; plus strand). Cytogenetic location: 2p21.
Variant type: single nucleotide variant.
Coding change: c.1724G>A on transcript NM_022437.3 (MANE Select); coding-DNA position 1724, G replaced by A.
Protein change: p.Gly575Asp; replaces glycine 575 with aspartic acid.
Molecular consequence: missense variant.
Genome position (GRCh38, 1-based): chr2:43,875,381, G>A. VCF-style: chr2-43875381-G-A. GRCh37 (hg19) VCF-style: chr2-44102520-G-A.
Other names: c.1721G>A, p.Gly574Asp (NM_001357321.2); short protein forms G574D, G575D.
Identifiers: ClinVar variation 3992616 (VCV003992616.1).

ClinVar aggregate classification (germline): Uncertain significance (1 of 4 stars; one submission).

Conditions:
Cardiovascular phenotype. Identifiers: MedGen CN230736.

gnomAD v4.1: 21 of 1,613,990 alleles (0.0013%); highest among the groups gnomAD compares: South Asian, 0.021%; no homozygotes.

Submission:

Ambry Genetics
Classification: Uncertain significance for Cardiovascular phenotype. Last evaluated: 2025-04-30. Review status: criteria provided, single submitter. Criteria: Ambry Variant Classification Scheme 2023. Collection method: clinical testing. Allele origin: germline.
Comment: The p.G575D variant (also known as c.1724G>A), located in coding exon 11 of the ABCG8 gene, results from a G to A substitution at nucleotide position 1724. The glycine at codon 575 is replaced by aspartic acid, an amino acid with similar properties. This amino acid position is highly conserved in available vertebrate species. In addition, this alteration is predicted to be deleterious by in silico analysis. Based on the available evidence, the clinical significance of this variant remains unclear.